The following is an entry in ClinVar:

NM_006949.4(STXBP2):c.1357-7C>A

Gene: STXBP2 (syntaxin binding protein 2; plus strand). Cytogenetic location: 19p13.2.
Variant type: single nucleotide variant.
Coding change: c.1357-7C>A on transcript NM_006949.4 (MANE Select); 7 bases into the intron before coding-DNA position 1357, C replaced by A.
Molecular consequence: intron variant.
Genome position (GRCh38, 1-based): chr19:7,646,242, C>A. VCF-style: chr19-7646242-C-A. GRCh37 (hg19) VCF-style: chr19-7711128-C-A.
Other names: c.1390-7C>A (NM_001272034.2); c.1348-7C>A (NM_001127396.3).
Identifiers: ClinVar variation 2087328 (VCV002087328.4), dbSNP rs374632930, ClinGen allele CA9144128.

ClinVar aggregate classification (germline): Uncertain significance (1 of 4 stars; one submission).

Conditions:
Familial hemophagocytic lymphohistiocytosis 5. Also called: STXBP2-Related Familial Hemophagocytic Lymphohistiocytosis (STXBP2-fHLH). Identifiers: Orphanet 540, MedGen C2751293, MONDO:0013135, OMIM 613101.

Allele frequency attached by ClinVar (database versions not stated): ExAC 0.00002; ESP Exome Variant Server 0.00008.
gnomAD v4.1: 28 of 1,597,468 alleles (0.0018%); highest among the groups gnomAD compares: Non-Finnish European, 0.0023%; no homozygotes.

Submission:

Labcorp Genetics (formerly Invitae), Labcorp
Classification: Uncertain significance for Familial hemophagocytic lymphohistiocytosis 5. Last evaluated: 2022-01-17. Review status: criteria provided, single submitter. Criteria: Invitae Variant Classification Sherloc (09022015). Collection method: clinical testing. Allele origin: germline.
Comment: Algorithms developed to predict the effect of sequence changes on RNA splicing suggest that this variant may disrupt the consensus splice site. In summary, the available evidence is currently insufficient to determine the role of this variant in disease. Therefore, it has been classified as a Variant of Uncertain Significance. This variant has not been reported in the literature in individuals affected with STXBP2-related conditions. This variant is not present in population databases (gnomAD no frequency). This sequence change falls in intron 15 of the STXBP2 gene. It does not directly change the encoded amino acid sequence of the STXBP2 protein.